The following is an entry in ClinVar:

NM_001199267.2(DGKZ):c.533G>A (p.Arg178Gln)

Genes: DGKZ (diacylglycerol kinase zeta; plus strand), LOC126861204 (CDK7 strongly-dependent group 2 enhancer GRCh37_chr11:46390736-46391935; plus strand). Cytogenetic location: 11p11.2.
Variant type: single nucleotide variant.
Coding change: c.533G>A on transcript NM_001199267.2 (MANE Select); coding-DNA position 533, G replaced by A.
Protein change: p.Arg178Gln; replaces arginine 178 with glutamine.
Molecular consequence: missense variant. On other transcripts: intron variant (1).
Genome position (GRCh38, 1-based): chr11:46,369,975, G>A. VCF-style: chr11-46369975-G-A. GRCh37 (hg19) VCF-style: chr11-46391525-G-A.
Other names: c.1100G>A, p.Arg367Gln (NM_001105540.2); c.536G>A, p.Arg179Gln (NM_001199266.2, NM_003646.4); c.584G>A, p.Arg195Gln (NM_201532.3); c.548G>A, p.Arg183Gln (NM_201533.3); c.501+425G>A (NM_001199268.2); c.1100G>A (NM_001105540.1); short protein forms R183Q, R195Q, R178Q, R179Q, R367Q.
Identifiers: ClinVar variation 2186775 (VCV002186775.5), dbSNP rs201999138, ClinGen allele CA5962481.

ClinVar aggregate classification (germline): Uncertain significance. Review status: criteria provided, multiple submitters, no conflicts (2 of 4 stars). 2 submissions from 2 submitters: Uncertain significance (2). Last evaluated 2025-12-16.

Allele frequency attached by ClinVar (database versions not stated): ESP Exome Variant Server 0.00008; 1000 Genomes Project 0.00020; 1000 Genomes Project 30x 0.00031; gnomAD exomes 0.00003; ExAC 0.00004; gnomAD 0.00005; TOPMed 0.00006.
gnomAD v4.1: 53 of 1,613,828 alleles (0.0033%); highest among the groups gnomAD compares: Middle Eastern, 0.016%; no homozygotes.

Submissions (2):

Ambry Genetics
Classification: Uncertain significance. Last evaluated: 2025-12-16. Review status: criteria provided, single submitter. Criteria: Ambry Variant Classification Scheme 2023. Collection method: clinical testing. Allele origin: germline.

Labcorp Genetics (formerly Invitae), Labcorp
Classification: Uncertain significance. Last evaluated: 2022-05-22. Review status: criteria provided, single submitter. Criteria: Invitae Variant Classification Sherloc (09022015). Collection method: clinical testing. Allele origin: germline.
Comment: This variant is present in population databases (rs201999138, gnomAD 0.006%). In summary, the available evidence is currently insufficient to determine the role of this variant in disease. Therefore, it has been classified as a Variant of Uncertain Significance. Algorithms developed to predict the effect of missense changes on protein structure and function are either unavailable or do not agree on the potential impact of this missense change (SIFT: "Tolerated"; PolyPhen-2: "Probably Damaging"; Align-GVGD: "Class C0"). This variant has not been reported in the literature in individuals affected with DGKZ-related conditions. This sequence change replaces arginine, which is basic and polar, with glutamine, which is neutral and polar, at codon 367 of the DGKZ protein (p.Arg367Gln).